The following is an entry in ClinVar:

NM_178140.4(PDZD2):c.6834T>C (p.Tyr2278=)

Gene: PDZD2 (PDZ domain containing 2; plus strand). Cytogenetic location: 5p13.3.
Variant type: single nucleotide variant.
Coding change: c.6834T>C on transcript NM_178140.4 (MANE Select); coding-DNA position 6834, T replaced by C.
Protein change: p.Tyr2278=; no amino-acid change (tyrosine 2278 retained).
Molecular consequence: synonymous variant.
Genome position (GRCh38, 1-based): chr5:32,090,282, T>C. VCF-style: chr5-32090282-T-C. GRCh37 (hg19) VCF-style: chr5-32090388-T-C.
Other names: c.6834T>C (NM_178140.3).
Identifiers: ClinVar variation 2655382 (VCV002655382.25), dbSNP rs148672521, ClinGen allele CA3220203.

ClinVar aggregate classification (germline): Likely benign. Review status: criteria provided, single submitter (1 of 4 stars). 2 submissions from 2 submitters: Likely benign (1). 1 of the submissions does not count toward it. Last evaluated 2023-04-01.

Conditions:
PDZD2-related disorder. Also called: PDZD2-related condition.

Allele frequency attached by ClinVar (database versions not stated): gnomAD exomes 0.00003; ExAC 0.00013; 1000 Genomes Project 0.00020; 1000 Genomes Project 30x 0.00031; gnomAD 0.00038; TOPMed 0.00049; ESP Exome Variant Server 0.00062.
gnomAD v4.1: 96 of 1,614,068 alleles (0.0059%); highest among the groups gnomAD compares: African/African-American, 0.11%; no homozygotes.

Submissions (2):

CeGaT Center for Human Genetics Tuebingen
Classification: Likely benign. Last evaluated: 2023-04-01. Review status: criteria provided, single submitter. Criteria: CeGaT Center For Human Genetics Tuebingen Variant Classification Criteria Version 2. Collection method: clinical testing. Allele origin: germline. Affected: yes. Observed: 1 variant allele.
Comment: PDZD2: BP4, BP7

PreventionGenetics, part of Exact Sciences
Classification: Likely benign for PDZD2-related condition. Last evaluated: 2019-08-28. Review status: no assertion criteria provided. Collection method: clinical testing. Allele origin: germline. Not counted in ClinVar's aggregate classification.
Comment: This variant is classified as likely benign based on ACMG/AMP sequence variant interpretation guidelines (Richards et al. 2015 PMID: 25741868, with internal and published modifications).